The following is an entry in ClinVar:

ClinVar aggregate classification (germline): Uncertain significance (1 of 4 stars; one submission).

Conditions:
Nephronophthisis. Also called: Juvenile Nephronophthisis. Identifiers: Orphanet 655, MedGen C0687120, MONDO:0019005, HP:0000090.

Submission:

Labcorp Genetics (formerly Invitae), Labcorp
Classification: Uncertain significance for Nephronophthisis. Last evaluated: 2019-12-24. Review status: criteria provided, single submitter. Criteria: Invitae Variant Classification Sherloc (09022015). Collection method: clinical testing. Allele origin: germline.
Comment: In summary, the available evidence is currently insufficient to determine the role of this variant in disease. Therefore, it has been classified as a Variant of Uncertain Significance. Nucleotide substitutions within the consensus splice site are a relatively common cause of aberrant splicing (PMID: 17576681, 9536098). Algorithms developed to predict the effect of sequence changes on RNA splicing suggest that this variant is not likely to affect RNA splicing, but this prediction has not been confirmed by published transcriptional studies. This variant has not been reported in the literature in individuals with INVS-related conditions. This variant is not present in population databases (ExAC no frequency). This sequence change falls in intron 2 of the INVS gene. It does not directly change the encoded amino acid sequence of the INVS protein, but it affects a nucleotide within the consensus splice site of the intron.

Literature cited by the submitters: PubMed 17576681; PubMed 9536098.

NM_014425.5(INVS):c.106+6C>T

Gene: INVS (inversin; plus strand). Cytogenetic location: 9q31.1.
Variant type: single nucleotide variant.
Coding change: c.106+6C>T on transcript NM_014425.5 (MANE Select); 6 bases into the intron after coding-DNA position 106, C replaced by T.
Molecular consequence: intron variant.
Genome position (GRCh38, 1-based): chr9:100,104,633, C>T. VCF-style: chr9-100104633-C-T. GRCh37 (hg19) VCF-style: chr9-102866915-C-T.
Other names: c.-271+6C>T (NM_001318381.2); c.-884+6C>T (NM_001318382.2).
Identifiers: ClinVar variation 859154 (VCV000859154.10), dbSNP rs1196750401, ClinGen allele CA589575443.